The following is an entry in ClinVar:

ClinVar aggregate classification (germline): Uncertain significance (1 of 4 stars; one submission).

Conditions:
Primary familial hypertrophic cardiomyopathy (HCM). Identifiers: Orphanet 99739, MedGen C0949658, MeSH D024741, MONDO:0024573. Inheritance: Various modes of inheritance.

Submission:

Labcorp Genetics (formerly Invitae), Labcorp
Classification: Uncertain significance for Primary familial hypertrophic cardiomyopathy. Last evaluated: 2024-12-30. Review status: criteria provided, single submitter. Criteria: Invitae Variant Classification Sherloc (09022015). Collection method: clinical testing. Allele origin: germline.
Comment: This sequence change replaces histidine, which is basic and polar, with tyrosine, which is neutral and polar, at codon 318 of the ILK protein (p.His318Tyr). This variant is not present in population databases (gnomAD no frequency). This variant has not been reported in the literature in individuals affected with ILK-related conditions. An algorithm developed to predict the effect of missense changes on protein structure and function (PolyPhen-2) suggests that this variant is likely to be tolerated. In summary, the available evidence is currently insufficient to determine the role of this variant in disease. Therefore, it has been classified as a Variant of Uncertain Significance.

NM_004517.4(ILK):c.952C>T (p.His318Tyr)

Genes: ILK (integrin linked kinase; plus strand), TAF10 (TATA-box binding protein associated factor 10; minus strand). Cytogenetic location: 11p15.4.
Variant type: single nucleotide variant.
Coding change: c.952C>T on transcript NM_004517.4 (MANE Select); coding-DNA position 952, C replaced by T.
Protein change: p.His318Tyr; replaces histidine 318 with tyrosine.
Molecular consequence: missense variant. On other transcripts: 3 prime UTR variant (1).
Genome position (GRCh38, 1-based): chr11:6,609,819, C>T. VCF-style: chr11-6609819-C-T. GRCh37 (hg19) VCF-style: chr11-6631050-C-T.
Other names: c.952C>T, p.His318Tyr (NM_001014794.3, NM_001014795.3); c.769C>T, p.His257Tyr (NM_001278441.2); c.550C>T, p.His184Tyr (NM_001278442.2); c.*1103G>A (NM_006284.4); short protein forms H318Y, H184Y, H257Y.
Identifiers: ClinVar variation 3689624 (VCV003689624.2).